The following is an entry in ClinVar:

ClinVar aggregate classification (germline): Pathogenic/Likely pathogenic. Review status: criteria provided, multiple submitters, no conflicts (2 of 4 stars). 2 submissions from 2 submitters: Pathogenic (1); Likely pathogenic (1). Last evaluated 2022-03-10.

Conditions:
TRPM1-related disorder. Also called: TRPM1-related condition.

gnomAD v4.1: 1 of 1,614,218 alleles (0.000062%); highest among the groups gnomAD compares: Non-Finnish European, 0.000085%; no homozygotes.

Submissions (2):

Labcorp Genetics (formerly Invitae), Labcorp
Classification: Pathogenic. Last evaluated: 2022-03-10. Review status: criteria provided, single submitter. Criteria: Invitae Variant Classification Sherloc (09022015). Collection method: clinical testing. Allele origin: germline.
Comment: For these reasons, this variant has been classified as Pathogenic. This variant has not been reported in the literature in individuals affected with TRPM1-related conditions. This variant is not present in population databases (gnomAD no frequency). This sequence change creates a premature translational stop signal (p.Tyr500*) in the TRPM1 gene. It is expected to result in an absent or disrupted protein product. Loss-of-function variants in TRPM1 are known to be pathogenic (PMID: 19896113, 19966281, 20300565).

Blueprint Genetics
Classification: Likely pathogenic for TRPM1-related disorders. Last evaluated: 2019-01-28. Review status: criteria provided, single submitter. Criteria: ACMG Guidelines, 2015. Collection method: clinical testing. Allele origin: germline. Affected: yes. Observed: 1 variant allele.

Literature cited by the submitters: PubMed 19896113 (cited by Labcorp Genetics (formerly Invitae), Labcorp); PubMed 19966281 (cited by Labcorp Genetics (formerly Invitae), Labcorp); PubMed 20300565 (cited by Labcorp Genetics (formerly Invitae), Labcorp).

NM_001252024.2(TRPM1):c.1566T>A (p.Tyr522Ter)

Gene: TRPM1 (transient receptor potential cation channel subfamily M member 1; minus strand). Cytogenetic location: 15q13.3.
Variant type: single nucleotide variant.
Coding change: c.1566T>A on transcript NM_001252024.2 (MANE Select); coding-DNA position 1566, T replaced by A.
Protein change: p.Tyr522Ter; replaces tyrosine 522 with a stop codon.
Molecular consequence: nonsense.
Genome position (GRCh38, 1-based): chr15:31,049,381, A>T on the plus strand (T>A on the coding strand, the complement: TRPM1 is on the minus strand). VCF-style: chr15-31049381-A-T. GRCh37 (hg19) VCF-style: chr15-31341584-A-T.
Other names: c.1617T>A, p.Tyr539Ter (NM_001252020.2); c.1500T>A, p.Tyr500Ter (NM_002420.6); short protein forms Y522*, Y500*, Y539*.
Identifiers: ClinVar variation 1441780 (VCV001441780.7), dbSNP rs1485527551, ClinGen allele CA391516741.
Genomic context (GRCh38, chr15:31,049,381, plus strand): 5'-AAACACATTTAGGTGGCTGCCTCCCGCTTCCTTCCCTTTTTCTAGAGCACTCACTGTGTT[A>T]TAAAGCTCCTCCAGCCTCGGAATGGTCAGAAAGTGTTGCATGTTCACTCCGTTTTCAATC-3'